The following is an entry in ClinVar:

NM_017777.4(MKS1):c.493_494insTTC (p.Arg164_Arg165insLeu)

Gene: MKS1 (MKS transition zone complex subunit 1; minus strand). Cytogenetic location: 17q22.
Variant type: Insertion.
Coding change: c.493_494insTTC on transcript NM_017777.4 (MANE Select); coding-DNA positions 493 to 494, TTC inserted.
Protein change: p.Arg164_Arg165insLeu.
Molecular consequence: inframe insertion. On other transcripts: intron variant (1).
Genome position: GRCh38 VCF-style: chr17-58214762-C-CGAA. GRCh37 (hg19) VCF-style: chr17-56292123-C-CGAA.
Other names: c.493_494insTTC, p.Arg164_Arg165insLeu (NM_001321269.2, NM_001330397.2); c.-94-376_-94-375insTCT (NM_001321268.2).
Identifiers: ClinVar variation 1345844 (VCV001345844.8), dbSNP rs2143808702, ClinGen allele CA2573154390.

ClinVar aggregate classification (germline): Uncertain significance (1 of 4 stars; one submission).

Conditions:
Joubert syndrome. Also called: CEREBELLOPARENCHYMAL DISORDER IV; JOUBERT-BOLTSHAUSER SYNDROME; Familial aplasia of the vermis. Identifiers: Orphanet 475, MedGen C5979921, MONDO:0018772.
Meckel-Gruber syndrome. Also called: DYSENCEPHALIA SPLANCHNOCYSTICA; GRUBER SYNDROME; Dysencephalia splachnocystica. Identifiers: Orphanet 564, MedGen C0265215, MONDO:0018921.

Submission:

Labcorp Genetics (formerly Invitae), Labcorp
Classification: Uncertain significance for Joubert syndrome; Meckel-Gruber syndrome. Last evaluated: 2022-07-12. Review status: criteria provided, single submitter. Criteria: Invitae Variant Classification Sherloc (09022015). Collection method: clinical testing. Allele origin: germline.
Comment: This variant is not present in population databases (gnomAD no frequency). This variant, c.493_494insTTC, results in the insertion of 1 amino acid(s) of the MKS1 protein (p.Arg164_Arg165insLeu), but otherwise preserves the integrity of the reading frame. This variant has not been reported in the literature in individuals affected with MKS1-related conditions. ClinVar contains an entry for this variant (Variation ID: 1345844). Experimental studies and prediction algorithms are not available or were not evaluated, and the functional significance of this variant is currently unknown. In summary, the available evidence is currently insufficient to determine the role of this variant in disease. Therefore, it has been classified as a Variant of Uncertain Significance.